The following is an entry in ClinVar:

NM_002470.4(MYH3):c.3425G>A (p.Arg1142Gln)

Gene: MYH3 (myosin heavy chain 3; minus strand). Cytogenetic location: 17p13.1.
Variant type: single nucleotide variant.
Coding change: c.3425G>A on transcript NM_002470.4 (MANE Select); coding-DNA position 3425, G replaced by A.
Protein change: p.Arg1142Gln; replaces arginine 1142 with glutamine.
Molecular consequence: missense variant.
Genome position (GRCh38, 1-based): chr17:10,638,347, C>T on the plus strand (G>A on the coding strand, the complement: MYH3 is on the minus strand). VCF-style: chr17-10638347-C-T. GRCh37 (hg19) VCF-style: chr17-10541664-C-T.
Other names: short protein forms R1142Q.
Identifiers: ClinVar variation 4798347 (VCV004798347.1).

ClinVar aggregate classification (germline): Uncertain significance (1 of 4 stars; one submission).

gnomAD v4.1: 8 of 1,609,730 alleles (0.0005%); highest among the groups gnomAD compares: Non-Finnish European, 0.00051%; no homozygotes.

Submission:

Labcorp Genetics (formerly Invitae), Labcorp
Classification: Uncertain significance. Last evaluated: 2025-06-18. Review status: criteria provided, single submitter. Criteria: Invitae Variant Classification Sherloc (09022015). Collection method: clinical testing. Allele origin: germline.
Comment: This sequence change replaces arginine, which is basic and polar, with glutamine, which is neutral and polar, at codon 1142 of the MYH3 protein (p.Arg1142Gln). This variant is not present in population databases (gnomAD no frequency). This variant has not been reported in the literature in individuals affected with MYH3-related conditions. Invitae Evidence Modeling of protein sequence and biophysical properties (such as structural, functional, and spatial information, amino acid conservation, physicochemical variation, residue mobility, and thermodynamic stability) indicates that this missense variant is not expected to disrupt MYH3 protein function with a negative predictive value of 95%. In summary, the available evidence is currently insufficient to determine the role of this variant in disease. Therefore, it has been classified as a Variant of Uncertain Significance.